The following is an entry in ClinVar:

NM_001378418.1(TCF20):c.2472_2486dup (p.Pro829_Glu830insSerSerThrAlaPro)

Gene: TCF20 (transcription factor 20; minus strand). Cytogenetic location: 22q13.2.
Variant type: Duplication.
Coding change: c.2472_2486dup on transcript NM_001378418.1 (MANE Select); coding-DNA positions 2472 to 2486, 15 bases duplicated (AAGCAGCACAGCTCC).
Protein change: p.Pro829_Glu830insSerSerThrAlaPro.
Molecular consequence: inframe insertion.
Genome position (GRCh38, 1-based): chr22:42,212,820-42,212,834, GGAGCTGTGCTGCTT duplicated on the plus strand (AAGCAGCACAGCTCC on the coding strand, the reverse complement: TCF20 is on the minus strand); duplicating any 15 consecutive bases within chr22:42,212,820-42,212,835 gives the same sequence; the c. name uses the placement nearest the transcript's 3' end. VCF-style (leftmost placement, unchanged base first): chr22-42212819-A-AGGAGCTGTGCTGCTT. GRCh37 (hg19) VCF-style: chr22-42608825-A-AGGAGCTGTGCTGCTT.
Other names: c.2472_2486dup, p.Pro829_Glu830insSerSerThrAlaPro (NM_005650.4, NM_181492.3); c.2472_2486dupAAGCAGCACAGCTCC (NM_005650.1).
Identifiers: ClinVar variation 2892683 (VCV002892683.4), dbSNP rs1921146718, ClinGen allele CA2406623667.

ClinVar aggregate classification (germline): Conflicting classifications of pathogenicity. Review status: criteria provided, conflicting classifications (1 of 4 stars). 2 submissions from 2 submitters: Uncertain significance (1); Likely benign (1). Last evaluated 2024-12-09.

Conditions:
Inborn genetic diseases. Identifiers: MedGen C0950123, MeSH D030342.

Submissions (2):

Labcorp Genetics (formerly Invitae), Labcorp
Classification: Likely benign. Last evaluated: 2024-12-09. Review status: criteria provided, single submitter. Criteria: Invitae Variant Classification Sherloc (09022015). Collection method: clinical testing. Allele origin: germline.

Ambry Genetics
Classification: Uncertain significance for Inborn genetic diseases. Last evaluated: 2021-04-28. Review status: criteria provided, single submitter. Criteria: Ambry Variant Classification Scheme 2023. Collection method: clinical testing. Allele origin: germline.
Comment: The c.2472_2486dupAAGCAGCACAGCTCC (p.S825_P829dup) alteration is located in exon 1 (coding exon 1) of the TCF20 gene. The alteration consists of an in-frame duplication of 15 nucleotides from position 2472 to 2486, resulting in the duplication of 5 residues. Based on insufficient or conflicting evidence, the clinical significance of this alteration remains unclear.